The following is an entry in ClinVar:

NM_005186.4(CAPN1):c.1153C>T (p.Arg385Ter)

Gene: CAPN1 (calpain 1; plus strand). Cytogenetic location: 11q13.1.
Variant type: single nucleotide variant.
Coding change: c.1153C>T on transcript NM_005186.4 (MANE Select); coding-DNA position 1153, C replaced by T.
Protein change: p.Arg385Ter; replaces arginine 385 with a stop codon.
Molecular consequence: nonsense. On other transcripts: non-coding transcript variant (1).
Genome position (GRCh38, 1-based): chr11:65,188,734, C>T. VCF-style: chr11-65188734-C-T. GRCh37 (hg19) VCF-style: chr11-64956205-C-T.
Other names: c.1153C>T, p.Arg385Ter (NM_001198868.2, NM_001198869.2); short protein forms R385*.
Identifiers: ClinVar variation 489122 (VCV000489122.4), dbSNP rs955142329, ClinGen allele CA223932412.
Genomic context (GRCh38, chr11:65,188,734, plus strand): 5'-AAATGGAACACCACACTCTACGAAGGCACCTGGCGGCGGGGGAGCACCGCGGGGGGCTGC[C>T]GAAACTACCCAGGTGCACAGGGGCGGGCTCTGGGTCTTGCTGCTTCCTGGCTTAGGGGCT-3'

ClinVar aggregate classification (germline): Pathogenic/Likely pathogenic. Review status: criteria provided, multiple submitters, no conflicts (2 of 4 stars). 2 submissions from 2 submitters: Pathogenic (1); Likely pathogenic (1). Last evaluated 2017-11-15.

Conditions:
Autosomal recessive spastic paraplegia type 76. Identifiers: Orphanet 488594, MedGen C5567483, MONDO:0014827, OMIM 616907.

Allele frequency attached by ClinVar (database versions not stated): TOPMed below 0.00001; gnomAD exomes 0.00001.
gnomAD v4.1: 15 of 1,570,728 alleles (0.00095%); highest among the groups gnomAD compares: East Asian, 0.0024%; no homozygotes.

Submissions (2):

GeneDx
Classification: Likely pathogenic. Last evaluated: 2017-11-15. Review status: criteria provided, single submitter. Criteria: GeneDx Variant Classification (06012015). Collection method: clinical testing. Allele origin: germline. Affected: yes.
Comment: The R385X variant in the CAPN1 gene has not been reported previously as a pathogenic variant nor as a benign variant, to our knowledge. This variant is predicted to cause loss of normal protein function either through protein truncation or nonsense-mediated mRNA decay. The R385X variant is not observed in large population cohorts (Lek et al., 2016). We interpret R385X as a pathogenic variant.

Paris Brain Institute, Inserm - ICM
Classification: Pathogenic for Autosomal recessive spastic paraplegia type 76. Review status: criteria provided, single submitter. Criteria: ACMG Guidelines, 2015. Collection method: clinical testing. Allele origin: unknown. Affected: yes. Observed: 1 variant allele.

Literature cited by the submitters: PubMed 33486633 (cited by Paris Brain Institute, Inserm - ICM).